The following is an entry in ClinVar:

ClinVar aggregate classification (germline): Uncertain significance (1 of 4 stars; one submission).

Conditions:
Mitochondrial hypertrophic cardiomyopathy with lactic acidosis due to MTO1 deficiency. Also called: Combined oxidative phosphorylation deficiency 10; CARDIOMYOPATHY, INFANTILE HYPERTROPHIC MITOCHONDRIAL, AND LACTIC ACIDOSIS. Identifiers: Orphanet 314637, MedGen C4749921, MONDO:0013865, OMIM 614702.

gnomAD v4.1: 1 of 1,614,100 alleles (0.000062%); highest among the groups gnomAD compares: Non-Finnish European, 0.000085%; no homozygotes.

Submission:

Labcorp Genetics (formerly Invitae), Labcorp
Classification: Uncertain significance for Mitochondrial hypertrophic cardiomyopathy with lactic acidosis due to MTO1 deficiency. Last evaluated: 2023-12-30. Review status: criteria provided, single submitter. Criteria: Invitae Variant Classification Sherloc (09022015). Collection method: clinical testing. Allele origin: germline.
Comment: This sequence change replaces glycine, which is neutral and non-polar, with serine, which is neutral and polar, at codon 458 of the MTO1 protein (p.Gly458Ser). This variant is not present in population databases (gnomAD no frequency). This variant has not been reported in the literature in individuals affected with MTO1-related conditions. ClinVar contains an entry for this variant (Variation ID: 2174372). Advanced modeling of protein sequence and biophysical properties (such as structural, functional, and spatial information, amino acid conservation, physicochemical variation, residue mobility, and thermodynamic stability) has been performed at Invitae for this missense variant, however the output from this modeling did not meet the statistical confidence thresholds required to predict the impact of this variant on MTO1 protein function. In summary, the available evidence is currently insufficient to determine the role of this variant in disease. Therefore, it has been classified as a Variant of Uncertain Significance.

NM_012123.4(MTO1):c.1372G>A (p.Gly458Ser)

Gene: MTO1 (mitochondrial tRNA translation optimization 1; plus strand). Cytogenetic location: 6q13.
Variant type: single nucleotide variant.
Coding change: c.1372G>A on transcript NM_012123.4 (MANE Select); coding-DNA position 1372, G replaced by A.
Protein change: p.Gly458Ser; replaces glycine 458 with serine.
Molecular consequence: missense variant.
Genome position (GRCh38, 1-based): chr6:73,482,151, G>A. VCF-style: chr6-73482151-G-A. GRCh37 (hg19) VCF-style: chr6-74191874-G-A.
Other names: c.1492G>A, p.Gly498Ser (NM_001123226.2); c.1447G>A, p.Gly483Ser (NM_133645.3); short protein forms G483S, G458S, G498S.
Identifiers: ClinVar variation 2174372 (VCV002174372.4), dbSNP rs2533284586, ClinGen allele CA364717111.